The following is an entry in ClinVar:

NM_001369.3(DNAH5):c.13745A>G (p.Tyr4582Cys)

Gene: DNAH5 (dynein axonemal heavy chain 5; minus strand). Cytogenetic location: 5p15.2.
Variant type: single nucleotide variant.
Coding change: c.13745A>G on transcript NM_001369.3 (MANE Select); coding-DNA position 13745, A replaced by G.
Protein change: p.Tyr4582Cys; replaces tyrosine 4582 with cysteine.
Molecular consequence: missense variant.
Genome position (GRCh38, 1-based): chr5:13,692,114, T>C on the plus strand (A>G on the coding strand, the complement: DNAH5 is on the minus strand). VCF-style: chr5-13692114-T-C. GRCh37 (hg19) VCF-style: chr5-13692223-T-C.
Other names: short protein forms Y4582C.
Identifiers: ClinVar variation 525409 (VCV000525409.12), dbSNP rs749862482, ClinGen allele CA3201251.

ClinVar aggregate classification (germline): Uncertain significance. Review status: criteria provided, multiple submitters, no conflicts (2 of 4 stars). 4 submissions from 4 submitters: Uncertain significance (3). 1 of the submissions does not count toward it. Last evaluated 2024-07-29.

Conditions:
Primary ciliary dyskinesia 3. Identifiers: Orphanet 244, MedGen C1837618, MONDO:0012085, OMIM 608644.
Primary ciliary dyskinesia. Also called: Ciliary dyskinesia. Identifiers: Orphanet 244, MedGen C0008780, MONDO:0016575, HP:0012265.

Allele frequency attached by ClinVar (database versions not stated): ExAC 0.00001; gnomAD exomes 0.00001; gnomAD 0.00003; TOPMed 0.00003.
gnomAD v4.1: 17 of 1,613,632 alleles (0.0011%); highest among the groups gnomAD compares: Admixed American, 0.0017%; no homozygotes.

Submissions (4):

Labcorp Genetics (formerly Invitae), Labcorp
Classification: Uncertain significance for Primary ciliary dyskinesia. Last evaluated: 2024-07-29. Review status: criteria provided, single submitter. Criteria: Invitae Variant Classification Sherloc (09022015). Collection method: clinical testing. Allele origin: germline.
Comment: This sequence change replaces tyrosine, which is neutral and polar, with cysteine, which is neutral and slightly polar, at codon 4582 of the DNAH5 protein (p.Tyr4582Cys). This variant is present in population databases (rs749862482, gnomAD 0.002%). This variant has not been reported in the literature in individuals affected with DNAH5-related conditions. ClinVar contains an entry for this variant (Variation ID: 525409). Advanced modeling of protein sequence and biophysical properties (such as structural, functional, and spatial information, amino acid conservation, physicochemical variation, residue mobility, and thermodynamic stability) has been performed at Invitae for this missense variant, however the output from this modeling did not meet the statistical confidence thresholds required to predict the impact of this variant on DNAH5 protein function. In summary, the available evidence is currently insufficient to determine the role of this variant in disease. Therefore, it has been classified as a Variant of Uncertain Significance.

Ambry Genetics
Classification: Uncertain significance for Primary ciliary dyskinesia. Last evaluated: 2023-09-05. Review status: criteria provided, single submitter. Criteria: Ambry Variant Classification Scheme 2023. Collection method: clinical testing. Allele origin: germline.
Comment: The p.Y4582C variant (also known as c.13745A>G), located in coding exon 79 of the DNAH5 gene, results from an A to G substitution at nucleotide position 13745. The tyrosine at codon 4582 is replaced by cysteine, an amino acid with highly dissimilar properties. This amino acid position is highly conserved in available vertebrate species. In addition, the in silico prediction for this alteration is inconclusive. Since supporting evidence is limited at this time, the clinical significance of this alteration remains unclear.

Fulgent Genetics
Classification: Uncertain significance for Primary ciliary dyskinesia 3. Last evaluated: 2022-04-07. Review status: criteria provided, single submitter. Criteria: ACMG Guidelines, 2015. Collection method: clinical testing. Allele origin: unknown.

Natera, Inc.
Classification: Uncertain significance for Primary ciliary dyskinesia. Last evaluated: 2019-11-11. Review status: no assertion criteria provided. Collection method: clinical testing. Allele origin: germline. Not counted in ClinVar's aggregate classification.